The following is an entry in ClinVar:

ClinVar aggregate classification (germline): Likely benign (1 of 4 stars; one submission).

Submission:

CeGaT Center for Human Genetics Tuebingen
Classification: Likely benign. Last evaluated: 2022-10-01. Review status: criteria provided, single submitter. Criteria: CeGaT Center For Human Genetics Tuebingen Variant Classification Criteria Version 2. Collection method: clinical testing. Allele origin: germline. Affected: yes. Observed: 1 variant allele.
Comment: EGF: PM2:Supporting, BP4, BP7

NM_001963.6(EGF):c.2673C>A (p.Thr891=)

Gene: EGF (epidermal growth factor; plus strand). Cytogenetic location: 4q25.
Variant type: single nucleotide variant.
Coding change: c.2673C>A on transcript NM_001963.6 (MANE Select); coding-DNA position 2673, C replaced by A.
Protein change: p.Thr891=; no amino-acid change (threonine 891 retained).
Molecular consequence: synonymous variant. On other transcripts: intron variant (1).
Genome position (GRCh38, 1-based): chr4:109,988,648, C>A. VCF-style: chr4-109988648-C-A. GRCh37 (hg19) VCF-style: chr4-110909804-C-A.
Other names: c.2673C>A, p.Thr891= (NM_001178130.3); c.2547C>A, p.Thr849= (NM_001178131.3); c.2366-4599C>A (NM_001357021.2).
Identifiers: ClinVar variation 2655024 (VCV002655024.24), dbSNP rs199943752, ClinGen allele CA440594697.